The following is an entry in ClinVar:

NM_001282531.3(ADNP):c.2647GAA[2] (p.Glu885del)

Gene: ADNP (activity dependent neuroprotector homeobox; minus strand). Cytogenetic location: 20q13.13.
Variant type: Microsatellite.
Coding change: c.2647GAA[2] on transcript NM_001282531.3 (MANE Select); two copies in a row of the 3-base unit GAA starting at c.2647; the reference has three copies in a row; one copy, 3 bases deleted.
Protein change: p.Glu885del; deletes glutamic acid 885.
Genome position (GRCh38, 1-based): chr20:50,892,059-50,892,061, TTC deleted on the plus strand (GAA on the coding strand, the reverse complement: ADNP is on the minus strand); deleting any 3 consecutive bases within chr20:50,892,059-50,892,067 gives the same sequence; the position shown is the placement nearest the transcript's 3' end. VCF-style (leftmost placement, unchanged base first): chr20-50892058-ATTC-A. GRCh37 (hg19) VCF-style: chr20-49508595-ATTC-A.
Other names: c.2647GAA[2], p.Glu885del (NM_001282532.2, NM_001347511.2, NM_015339.5 and 1 more transcripts); c.2863GAA[2], p.Glu957del (NM_001439000.1); c.1963GAA[2], p.Glu657del (NM_001439001.1); short protein forms E957del, E885del, E657del.
Identifiers: ClinVar variation 4764146 (VCV004764146.1).

ClinVar aggregate classification (germline): Uncertain significance (1 of 4 stars; one submission).

Submission:

Labcorp Genetics (formerly Invitae), Labcorp
Classification: Uncertain significance. Last evaluated: 2025-10-28. Review status: criteria provided, single submitter. Criteria: Invitae Variant Classification Sherloc (09022015). Collection method: clinical testing. Allele origin: germline.
Comment: This variant, c.2653_2655del, results in the deletion of 1 amino acid(s) of the ADNP protein (p.Glu885del), but otherwise preserves the integrity of the reading frame. This variant is present in population databases (no rsID available, gnomAD 0.006%). This variant has not been reported in the literature in individuals affected with ADNP-related conditions. Experimental studies and prediction algorithms are not available or were not evaluated, and the functional significance of this variant is currently unknown. In summary, the available evidence is currently insufficient to determine the role of this variant in disease. Therefore, it has been classified as a Variant of Uncertain Significance.